The following is an entry in ClinVar:

NM_005591.4(MRE11):c.1991A>G (p.Gln664Arg)

Gene: MRE11 (MRE11 double strand break repair nuclease; minus strand). Cytogenetic location: 11q21.
Variant type: single nucleotide variant.
Coding change: c.1991A>G on transcript NM_005591.4 (MANE Select); coding-DNA position 1991, A replaced by G.
Protein change: p.Gln664Arg; replaces glutamine 664 with arginine.
Molecular consequence: missense variant.
Genome position (GRCh38, 1-based): chr11:94,435,835, T>C on the plus strand (A>G on the coding strand, the complement: MRE11 is on the minus strand). VCF-style: chr11-94435835-T-C. GRCh37 (hg19) VCF-style: chr11-94169001-T-C.
Other names: c.1988A>G, p.Gln663Arg (NM_001330347.2); c.1907A>G, p.Gln636Arg (NM_005590.4); short protein forms Q663R, Q664R, Q636R.
Identifiers: ClinVar variation 3874302 (VCV003874302.1).
Genomic context (GRCh38, chr11:94,435,835, plus strand): 5'-CTGGATAATTTTTAATTTTTTTCAGATGTTTCTTTTGCAGAAAATCACTGCACCTACCTT[T>C]GATCTGTCTTTGAAGTGGTAGGAAAAATGTCTTCTTCCACATCTGATTCATCTACCTCAA-3'
Protein context (NP_005582.1, residues 654-674): DIFPTTSKTD[Gln664Arg]RWSSTSSSKI

ClinVar aggregate classification (germline): Uncertain significance (1 of 4 stars; one submission).

Conditions:
Hereditary cancer-predisposing syndrome. Also called: Tumor predisposition; Neoplastic Syndromes, Hereditary; Hereditary Cancer Syndrome; Hereditary neoplastic syndrome. Identifiers: Orphanet 140162, MedGen C0027672, MeSH D009386, MONDO:0015356.

gnomAD v4.1: 1 of 1,612,466 alleles (0.000062%); highest among the groups gnomAD compares: Admixed American, 0.0017%; no homozygotes.

Submission:

Ambry Genetics
Classification: Uncertain significance for Hereditary cancer-predisposing syndrome. Last evaluated: 2025-02-03. Review status: criteria provided, single submitter. Criteria: Ambry Variant Classification Scheme 2023. Collection method: clinical testing. Allele origin: germline.
Comment: The p.Q664R variant (also known as c.1991A>G), located in coding exon 17 of the MRE11A gene, results from an A to G substitution at nucleotide position 1991. The glutamine at codon 664 is replaced by arginine, an amino acid with highly similar properties. This amino acid position is conserved. In addition, this alteration is predicted to be tolerated by in silico analysis. Based on the available evidence, the clinical significance of this variant remains unclear.